The following is an entry in ClinVar:

ClinVar aggregate classification (germline): Uncertain significance (1 of 4 stars; one submission).

Conditions:
Deficiency of isobutyryl-CoA dehydrogenase. Also called: ACAD8 DEFICIENCY; IBD DEFICIENCY; ACYL-CoA DEHYDROGENASE FAMILY, MEMBER 8, DEFICIENCY OF. Identifiers: Orphanet 79159, MedGen C1969809, MONDO:0012648, OMIM 611283.

gnomAD v4.1: 12 of 1,614,036 alleles (0.00074%); highest among the groups gnomAD compares: Non-Finnish European, 0.001%; no homozygotes.

Submission:

Labcorp Genetics (formerly Invitae), Labcorp
Classification: Uncertain significance for Deficiency of isobutyryl-CoA dehydrogenase. Last evaluated: 2020-12-21. Review status: criteria provided, single submitter. Criteria: Invitae Variant Classification Sherloc (09022015). Collection method: clinical testing. Allele origin: germline.
Comment: In summary, the available evidence is currently insufficient to determine the role of this variant in disease. Therefore, it has been classified as a Variant of Uncertain Significance. Algorithms developed to predict the effect of sequence changes on RNA splicing suggest that this variant may create or strengthen a splice site, but this prediction has not been confirmed by published transcriptional studies. Advanced modeling of protein sequence and biophysical properties (such as structural, functional, and spatial information, amino acid conservation, physicochemical variation, residue mobility, and thermodynamic stability) performed at Invitae indicates that this missense variant is expected to disrupt ACAD8 protein function. This variant has not been reported in the literature in individuals with ACAD8-related conditions. This variant is present in population databases (rs577976129, ExAC 0.003%). This sequence change replaces methionine with arginine at codon 322 of the ACAD8 protein (p.Met322Arg). The methionine residue is highly conserved and there is a moderate physicochemical difference between methionine and arginine.

NM_014384.3(ACAD8):c.965T>G (p.Met322Arg)

Gene: ACAD8 (acyl-CoA dehydrogenase family member 8; plus strand). Cytogenetic location: 11q25.
Variant type: single nucleotide variant.
Coding change: c.965T>G on transcript NM_014384.3 (MANE Select); coding-DNA position 965, T replaced by G.
Protein change: p.Met322Arg; replaces methionine 322 with arginine.
Molecular consequence: missense variant.
Genome position (GRCh38, 1-based): chr11:134,261,763, T>G. VCF-style: chr11-134261763-T-G. GRCh37 (hg19) VCF-style: chr11-134131657-T-G.
Other names: short protein forms M322R.
Identifiers: ClinVar variation 1353097 (VCV001353097.8), dbSNP rs577976129, ClinGen allele CA6373182.